The following is an entry in ClinVar:

NM_002137.4(HNRNPA2B1):c.189T>C (p.Val63=)

Gene: HNRNPA2B1 (heterogeneous nuclear ribonucleoprotein A2/B1; minus strand). Cytogenetic location: 7p15.2.
Variant type: single nucleotide variant.
Coding change: c.189T>C on transcript NM_002137.4 (MANE Select); coding-DNA position 189, T replaced by C.
Protein change: p.Val63=; no amino-acid change (valine 63 retained).
Molecular consequence: synonymous variant.
Genome position (GRCh38, 1-based): chr7:26,197,390, A>G on the plus strand (T>C on the coding strand, the complement: HNRNPA2B1 is on the minus strand). VCF-style: chr7-26197390-A-G. GRCh37 (hg19) VCF-style: chr7-26237010-A-G.
Other names: c.225T>C (NM_031243.2); c.225T>C, p.Val75= (NM_031243.4).
Identifiers: ClinVar variation 1155590 (VCV001155590.10), dbSNP rs763034724, ClinGen allele CA4194746.

ClinVar aggregate classification (germline): Likely benign. Review status: criteria provided, multiple submitters, no conflicts (2 of 4 stars). 2 submissions from 2 submitters: Likely benign (2). Last evaluated 2026-01-04.

Conditions:
HNRNPA2B1-related disorder. Also called: HNRNPA2B1-related condition.
Inclusion body myopathy with early-onset Paget disease with or without frontotemporal dementia 2 (IBMPFD2). Also called: MULTISYSTEM PROTEINOPATHY 2. Identifiers: MedGen C3809468, MONDO:0014178, OMIM 615422.

Allele frequency attached by ClinVar (database versions not stated): ExAC 0.00002; gnomAD 0.00003 and 0.00004; gnomAD exomes 0.00003 and 0.00006; TOPMed 0.00004.
gnomAD v4.1: 91 of 1,613,828 alleles (0.0056%); highest among the groups gnomAD compares: Non-Finnish European, 0.0072%; no homozygotes.

Submissions (2):

Labcorp Genetics (formerly Invitae), Labcorp
Classification: Likely benign for Inclusion body myopathy with early-onset Paget disease with or without frontotemporal dementia 2. Last evaluated: 2026-01-04. Review status: criteria provided, single submitter. Criteria: Invitae Variant Classification Sherloc (09022015). Collection method: clinical testing. Allele origin: germline.

PreventionGenetics, part of Exact Sciences
Classification: Likely benign for HNRNPA2B1-related condition. Last evaluated: 2025-09-17. Review status: criteria provided, single submitter. Criteria: ACMG Guidelines, 2015. Collection method: clinical testing. Allele origin: germline.
Comment: This variant is classified as likely benign based on ACMG/AMP sequence variant interpretation guidelines (Richards et al. 2015 PMID: 25741868, with internal and published modifications).